The following is an entry in ClinVar:

ClinVar aggregate classification (germline): Uncertain significance (1 of 4 stars; one submission).

Conditions:
Catecholaminergic polymorphic ventricular tachycardia (CVPT). Also called: Catecholamine-induced polymorphic ventricular tachycardia. Identifiers: Orphanet 3286, MedGen C5574922, MONDO:0017990.

gnomAD v4.1: 1 of 1,613,888 alleles (0.000062%); highest among the groups gnomAD compares: Admixed American, 0.0017%; no homozygotes.

Submission:

All of Us Research Program, National Institutes of Health
Classification: Uncertain significance for Catecholaminergic polymorphic ventricular tachycardia. Last evaluated: 2024-07-10. Review status: criteria provided, single submitter. Criteria: ACMG Guidelines, 2015. Collection method: clinical testing. Allele origin: germline. Inheritance: Autosomal dominant inheritance. Observed: 1 variant allele, 1 heterozygote.
Comment: This missense variant replaces alanine with threonine at codon 1240 of the RYR2 protein. Computational prediction is inconclusive regarding the impact of this variant on protein structure and function (internally defined REVEL score threshold 0.5 < inconclusive < 0.7, PMID: 27666373). To our knowledge, functional studies have not been reported for this variant. This variant has not been reported in individuals affected with RYR2-related disorders in the literature. This variant has not been identified in the general population by the Genome Aggregation Database (gnomAD). The available evidence is insufficient to determine the role of this variant in disease conclusively. Therefore, this variant is classified as a Variant of Uncertain Significance.

This study involves interpretation of variants in research participants for the purpose of population health screening. Participant phenotype was not available at the time of variant classification. Additional details can be found in publication PMID: 35346344, PMCID: PMC8962531

NM_001035.3(RYR2):c.3718G>A (p.Ala1240Thr)

Gene: RYR2 (ryanodine receptor 2; plus strand). Cytogenetic location: 1q43.
Variant type: single nucleotide variant.
Coding change: c.3718G>A on transcript NM_001035.3 (MANE Select); coding-DNA position 3718, G replaced by A.
Protein change: p.Ala1240Thr; replaces alanine 1240 with threonine.
Molecular consequence: missense variant.
Genome position (GRCh38, 1-based): chr1:237,589,912, G>A. VCF-style: chr1-237589912-G-A. GRCh37 (hg19) VCF-style: chr1-237753212-G-A.
Other names: short protein forms A1240T.
Identifiers: ClinVar variation 3385714 (VCV003385714.1).
Genomic context (GRCh38, chr1:237,589,912, plus strand): 5'-GATGTCAGCACCTTGAAATATTTCACCATCTGTGGCTTACAAGAGGGCTATGAACCATTT[G>A]CCGTTAATACAAACAGGGATATTACCATGTGGCTGAGCAAGAGGCTTCCTCAGTTTCTTC-3'
Protein context (NP_001026.2, residues 1230-1250): CGLQEGYEPF[Ala1240Thr]VNTNRDITMW